The following is an entry in ClinVar:

ClinVar aggregate classification (germline): Uncertain significance (1 of 4 stars; one submission).

Submission:

CeGaT Center for Human Genetics Tuebingen
Classification: Uncertain significance. Last evaluated: 2025-10-01. Review status: criteria provided, single submitter. Criteria: CeGaT Center For Human Genetics Tuebingen Variant Classification Criteria Version 2. Collection method: clinical testing. Allele origin: germline. Affected: yes. Observed: 1 variant allele.
Comment: MAN2C1: PM2

NM_006715.4(MAN2C1):c.1461G>C (p.Arg487Ser)

Gene: MAN2C1 (mannosidase alpha class 2C member 1; minus strand). Cytogenetic location: 15q24.2.
Variant type: single nucleotide variant.
Coding change: c.1461G>C on transcript NM_006715.4 (MANE Select); coding-DNA position 1461, G replaced by C.
Protein change: p.Arg487Ser; replaces arginine 487 with serine.
Molecular consequence: missense variant.
Genome position (GRCh38, 1-based): chr15:75,360,688, C>G on the plus strand (G>C on the coding strand, the complement: MAN2C1 is on the minus strand). VCF-style: chr15-75360688-C-G. GRCh37 (hg19) VCF-style: chr15-75653029-C-G.
Other names: c.1461G>C, p.Arg487Ser (NM_001256494.2, NM_001256495.2); c.1164G>C, p.Arg388Ser (NM_001256496.2); short protein forms R388S, R487S.
Identifiers: ClinVar variation 4534725 (VCV004534725.6).
Genomic context (GRCh38, chr15:75,360,688, plus strand): 5'-CAGCTGCTCTGAGTCACTCTCCAGTGCTGAGAAGAGCTGTCTTGGAGAAGATAGCTGCAC[C>G]CTGAGGAGACCACAAGCCTAGGTCTCCCAGCCTTGGAGACCACATGGCTCACCCTTCTTC-3'
Protein context (NP_006706.2, residues 477-497): KRLSNTDGLP[Arg487Ser]VQLSSPRQLF